The following is an entry in ClinVar:

NM_017617.5(NOTCH1):c.3323A>G (p.Gln1108Arg)

Gene: NOTCH1 (notch receptor 1; minus strand). Cytogenetic location: 9q34.3.
Variant type: single nucleotide variant.
Coding change: c.3323A>G on transcript NM_017617.5 (MANE Select); coding-DNA position 3323, A replaced by G.
Protein change: p.Gln1108Arg; replaces glutamine 1108 with arginine.
Molecular consequence: missense variant.
Genome position (GRCh38, 1-based): chr9:136,508,234, T>C on the plus strand (A>G on the coding strand, the complement: NOTCH1 is on the minus strand). VCF-style: chr9-136508234-T-C. GRCh37 (hg19) VCF-style: chr9-139402686-T-C.
Other names: short protein forms Q1108R.
Identifiers: ClinVar variation 4765226 (VCV004765226.1).

ClinVar aggregate classification (germline): Uncertain significance (1 of 4 stars; one submission).

Conditions:
Adams-Oliver syndrome 5 (AOS5). Identifiers: Orphanet 974, MedGen C4014970, MONDO:0014459, OMIM 616028.

gnomAD v4.1: 3 of 1,611,330 alleles (0.00019%); highest among the groups gnomAD compares: Non-Finnish European, 0.00017%; no homozygotes.

Submission:

Labcorp Genetics (formerly Invitae), Labcorp
Classification: Uncertain significance for Adams-Oliver syndrome 5. Last evaluated: 2025-07-30. Review status: criteria provided, single submitter. Criteria: Invitae Variant Classification Sherloc (09022015). Collection method: clinical testing. Allele origin: germline.
Comment: This sequence change replaces glutamine, which is neutral and polar, with arginine, which is basic and polar, at codon 1108 of the NOTCH1 protein (p.Gln1108Arg). This variant is not present in population databases (gnomAD no frequency). This variant has not been reported in the literature in individuals affected with NOTCH1-related conditions. An algorithm developed to predict the effect of missense changes on protein structure and function outputs the following: PolyPhen-2: "Benign". The arginine amino acid residue is found in multiple mammalian species, which suggests that this missense change does not adversely affect protein function. In summary, the available evidence is currently insufficient to determine the role of this variant in disease. Therefore, it has been classified as a Variant of Uncertain Significance.